The following is an entry in ClinVar:

ClinVar aggregate classification (germline): Conflicting classifications of pathogenicity. Review status: criteria provided, conflicting classifications (1 of 4 stars). 6 submissions from 6 submitters: Uncertain significance (3); Likely benign (2). 1 of the submissions does not count toward it. Last evaluated 2025-08-30.

Conditions:
Breast-ovarian cancer, familial, susceptibility to, 2 (BROVCA2). Also called: BRCA2 Hereditary Breast and Ovarian Cancer. Identifiers: Orphanet 145, MedGen C2675520, MONDO:0012933, OMIM 612555. Disease mechanism: loss of function.
Hereditary breast ovarian cancer syndrome. Also called: Breast and ovarian cancer; Hereditary breast and ovarian cancer; Hereditary breast and ovarian cancer syndrome; BRCA1- and BRCA2-Associated Hereditary Breast and Ovarian Cancer; Hereditary breast and ovarian cancer syndrome (HBOC); Hereditary breast and/or ovarian cancer syndrome. Identifiers: Orphanet 145, MedGen C0677776, MeSH D061325, MONDO:0003582. Disease mechanism: loss of function.
Hereditary cancer-predisposing syndrome. Also called: Tumor predisposition; Hereditary Cancer Syndrome; Neoplastic Syndromes, Hereditary; Hereditary neoplastic syndrome. Identifiers: Orphanet 140162, MedGen C0027672, MeSH D009386, MONDO:0015356.

Allele frequency attached by ClinVar (database versions not stated): TOPMed 0.00001.

Submissions (6):

Labcorp Genetics (formerly Invitae), Labcorp
Classification: Uncertain significance for Hereditary breast ovarian cancer syndrome. Last evaluated: 2025-08-30. Review status: criteria provided, single submitter. Criteria: Invitae Variant Classification Sherloc (09022015). Collection method: clinical testing. Allele origin: germline.
Comment: This sequence change replaces histidine, which is basic and polar, with arginine, which is basic and polar, at codon 1223 of the BRCA2 protein (p.His1223Arg). This variant is not present in population databases (gnomAD no frequency). This variant has not been reported in the literature in individuals affected with BRCA2-related conditions. ClinVar contains an entry for this variant (Variation ID: 91804). Invitae Evidence Modeling of protein sequence and biophysical properties (such as structural, functional, and spatial information, amino acid conservation, physicochemical variation, residue mobility, and thermodynamic stability) indicates that this missense variant is not expected to disrupt BRCA2 protein function with a negative predictive value of 95%. In summary, the available evidence is currently insufficient to determine the role of this variant in disease. Therefore, it has been classified as a Variant of Uncertain Significance.

GeneDx
Classification: Uncertain significance. Last evaluated: 2025-08-18. Review status: criteria provided, single submitter. Criteria: GeneDx Variant Classification Process June 2021. Collection method: clinical testing. Allele origin: germline. Affected: yes.
Comment: Not observed at significant frequency in large population cohorts (gnomAD); In silico analysis suggests that this missense variant does not alter protein structure/function; Also known as 3896A>G; Observed in at least one individual with breast and/or ovarian cancer (PMID: 29310832); This variant is associated with the following publications: (PMID: 18288416, 24312913, 12872263, 31911673, 32377563, 29884841, 9002670, 22193408, 29310832)

Center for Genomic Medicine, Rigshospitalet, Copenhagen University Hospital
Classification: Uncertain significance. Last evaluated: 2025-03-04. Review status: criteria provided, single submitter. Criteria: ACMG Guidelines, 2015. Collection method: clinical testing. Allele origin: germline.

University of Washington Department of Laboratory Medicine, University of Washington
Classification: Likely benign for Hereditary cancer-predisposing syndrome. Last evaluated: 2023-03-23. Review status: criteria provided, single submitter. Criteria: Dines et al. (Genet Med. 2020). Collection method: curation. Allele origin: germline.
Comment: Missense variant in a coldspot region where missense variants are very unlikely to be pathogenic (PMID:31911673).

BRCA2 exon 11 coldspot. Reclassification based on statistical prior probability.

Ambry Genetics
Classification: Likely benign for Hereditary cancer-predisposing syndrome. Last evaluated: 2021-08-13. Review status: criteria provided, single submitter. Criteria: Ambry Variant Classification Scheme 2023. Collection method: clinical testing. Allele origin: germline.

Sharing Clinical Reports Project (SCRP)
Classification: Uncertain significance for Breast-ovarian cancer, familial 2. Last evaluated: 2011-01-11. Review status: no assertion criteria provided. Collection method: clinical testing. Allele origin: germline. Not counted in ClinVar's aggregate classification.

NM_000059.4(BRCA2):c.3668A>G (p.His1223Arg)

Gene: BRCA2 (BRCA2 DNA repair associated; plus strand). Cytogenetic location: 13q13.1.
Variant type: single nucleotide variant.
Coding change: c.3668A>G on transcript NM_000059.4 (MANE Select); coding-DNA position 3668, A replaced by G.
Protein change: p.His1223Arg; replaces histidine 1223 with arginine.
Molecular consequence: missense variant.
Genome position (GRCh38, 1-based): chr13:32,338,023, A>G. VCF-style: chr13-32338023-A-G. GRCh37 (hg19) VCF-style: chr13-32912160-A-G.
Other names: 3896A>G; short protein forms H1223R.
Identifiers: ClinVar variation 91804 (VCV000091804.24), dbSNP rs398122768, ClinGen allele CA018509.